The following is an entry in ClinVar:

NM_000515.5(GH1):c.55C>T (p.Pro19Ser)

Genes: GH-LCR (growth hormone locus control region; plus strand), GH1 (growth hormone 1; minus strand). Cytogenetic location: 17q23.3.
Variant type: single nucleotide variant.
Coding change: c.55C>T on transcript NM_000515.5 (MANE Select); coding-DNA position 55, C replaced by T.
Protein change: p.Pro19Ser; replaces proline 19 with serine.
Molecular consequence: missense variant.
Genome position (GRCh38, 1-based): chr17:63,918,462, G>A on the plus strand (C>T on the coding strand, the complement: GH1 is on the minus strand). VCF-style: chr17-63918462-G-A. GRCh37 (hg19) VCF-style: chr17-61995822-G-A.
Other names: c.55C>T, p.Pro19Ser (NM_022559.4, NM_022560.4); short protein forms P19S.
Identifiers: ClinVar variation 889837 (VCV000889837.14), dbSNP rs376449159, ClinGen allele CA8708373.

ClinVar aggregate classification (germline): Uncertain significance. Review status: criteria provided, multiple submitters, no conflicts (2 of 4 stars). 4 submissions from 4 submitters: Uncertain significance (4). Last evaluated 2025-01-20.

Conditions:
Decreased response to growth hormone stimulation test. Also called: Growth hormone deficiency. Identifiers: MedGen C5539399, HP:0000824.

Allele frequency attached by ClinVar (database versions not stated): ESP Exome Variant Server 0.00008; gnomAD exomes 0.00015 and 0.00016; 1000 Genomes Project 30x 0.00016; gnomAD 0.00019 and 0.00020; TOPMed 0.00022; ExAC 0.00023.
gnomAD v4.1: 252 of 1,614,184 alleles (0.016%); highest among the groups gnomAD compares: Middle Eastern, 0.033%; no homozygotes.

Submissions (4):

Women's Health and Genetics/Laboratory Corporation of America, LabCorp
Classification: Uncertain significance. Last evaluated: 2025-01-20. Review status: criteria provided, single submitter. Criteria: LabCorp Variant Classification Summary - May 2015. Collection method: clinical testing. Allele origin: germline.
Comment: Variant summary: GH1 c.55C>T (p.Pro19Ser) results in a non-conservative amino acid change in the encoded protein sequence. Three of four in-silico tools predict a benign effect of the variant on protein function. The variant allele was found at a frequency of 0.00016 in 251360 control chromosomes (gnomAD). This frequency is not significantly higher than estimated for a pathogenic variant in GH1 causing Idiopathic Growth Hormone Deficiency (0.00016 vs 0.011), allowing no conclusion about variant significance. c.55C>T has been reported in the literature in at least one individual affected with Idiopathic Growth Hormone Deficiency (Vishnopolska_2021). These data do not allow any conclusion about variant significance. To our knowledge, no experimental evidence demonstrating an impact on protein function has been reported. The following publication have been ascertained in the context of this evaluation (PMID: 33729509). ClinVar contains an entry for this variant (Variation ID: 889837). Based on the evidence outlined above, the variant was classified as uncertain significance.

Labcorp Genetics (formerly Invitae), Labcorp
Classification: Uncertain significance. Last evaluated: 2023-11-25. Review status: criteria provided, single submitter. Criteria: Invitae Variant Classification Sherloc (09022015). Collection method: clinical testing. Allele origin: germline.
Comment: This sequence change replaces proline, which is neutral and non-polar, with serine, which is neutral and polar, at codon 19 of the GH1 protein (p.Pro19Ser). This variant is present in population databases (rs376449159, gnomAD 0.02%). This missense change has been observed in individual(s) with clinical features of GH1-related conditions (PMID: 33729509). ClinVar contains an entry for this variant (Variation ID: 889837). Algorithms developed to predict the effect of missense changes on protein structure and function output the following: SIFT: "Not Available"; PolyPhen-2: "Benign"; Align-GVGD: "Not Available". The serine amino acid residue is found in multiple mammalian species, which suggests that this missense change does not adversely affect protein function. In summary, the available evidence is currently insufficient to determine the role of this variant in disease. Therefore, it has been classified as a Variant of Uncertain Significance.

Illumina Laboratory Services, Illumina
Classification: Uncertain significance for Growth hormone deficiency. Last evaluated: 2018-01-12. Review status: criteria provided, single submitter. Criteria: ICSL Variant Classification Criteria 13 December 2019. Collection method: clinical testing. Allele origin: germline.

Breakthrough Genomics
Classification: Uncertain significance. Review status: criteria provided, single submitter. Criteria: ACMG Guidelines, 2015. Collection method: not provided. Allele origin: germline. Inheritance: Autosomal recessive inheritance. Affected: yes.

Literature cited by the submitters: PubMed 33729509 (cited by Women's Health and Genetics/Laboratory Corporation of America, LabCorp and Labcorp Genetics (formerly Invitae), Labcorp).